The following is an entry in ClinVar:

NM_138694.4(PKHD1):c.4691A>G (p.Asn1564Ser)

Genes: PKHD1 (PKHD1 ciliary IPT domain containing fibrocystin/polyductin; minus strand), LOC126859690 (MED14-independent group 3 enhancer GRCh37_chr6:51888848-51890047; plus strand). Cytogenetic location: 6p12.2.
Variant type: single nucleotide variant.
Coding change: c.4691A>G on transcript NM_138694.4 (MANE Select); coding-DNA position 4691, A replaced by G.
Protein change: p.Asn1564Ser; replaces asparagine 1564 with serine.
Molecular consequence: missense variant.
Genome position (GRCh38, 1-based): chr6:52,025,119, T>C on the plus strand (A>G on the coding strand, the complement: PKHD1 is on the minus strand). VCF-style: chr6-52025119-T-C. GRCh37 (hg19) VCF-style: chr6-51889917-T-C.
Other names: c.4691A>G, p.Asn1564Ser (NM_170724.3); short protein forms N1564S.
Identifiers: ClinVar variation 4535277 (VCV004535277.6).

ClinVar aggregate classification (germline): Uncertain significance (1 of 4 stars; one submission).

gnomAD v4.1: 2 of 1,614,036 alleles (0.00012%); highest among the groups gnomAD compares: African/African-American, 0.0027%; no homozygotes.

Submission:

CeGaT Center for Human Genetics Tuebingen
Classification: Uncertain significance. Last evaluated: 2025-11-01. Review status: criteria provided, single submitter. Criteria: CeGaT Center For Human Genetics Tuebingen Variant Classification Criteria Version 2. Collection method: clinical testing. Allele origin: germline. Affected: yes. Observed: 1 variant allele.
Comment: PKHD1: PM2, BP4